The following is an entry in ClinVar:

NM_212482.4(FN1):c.7160ATG[2] (p.Asp2389del)

Genes: ATIC (5-aminoimidazole-4-carboxamide ribonucleotide formyltransferase/IMP cyclohydrolase; plus strand), FN1 (fibronectin 1; minus strand). Cytogenetic location: 2q35.
Variant type: Microsatellite.
Coding change: c.7160ATG[2] on transcript NM_212482.4 (MANE Select); two copies in a row of the 3-base unit ATG starting at c.7160; the reference has three copies in a row; one copy, 3 bases deleted; also written c.7166_7168del.
Protein change: p.Asp2389del; deletes aspartic acid 2389.
Molecular consequence: inframe deletion.
Genome position (GRCh38, 1-based): chr2:215,364,962-215,364,964, CAT deleted on the plus strand (ATG on the coding strand, the reverse complement: FN1 is on the minus strand); deleting any 3 consecutive bases within chr2:215,364,962-215,364,970 gives the same sequence; the position shown is the placement nearest the transcript's 3' end. VCF-style (leftmost placement, unchanged base first): chr2-215364961-CCAT-C. GRCh37 (hg19) VCF-style: chr2-216229684-CCAT-C.
Other names: c.6815ATG[2], p.Asp2274del (NM_001365519.2); c.6812ATG[2], p.Asp2273del (NM_001365520.2); c.6797ATG[2], p.Asp2268del (NM_001365521.2); c.6722ATG[2], p.Asp2243del (NM_001365522.2); c.6542ATG[2], p.Asp2183del (NM_001365523.2); c.6527ATG[2], p.Asp2178del (NM_001365524.2); c.6794ATG[2], p.Asp2267del (NM_002026.4); c.6257ATG[2], p.Asp2088del (NM_212474.3); and 9 more; short protein forms D2088del, D2179del, D2242del, D2268del, D2273del, D2152del, D2178del, D2208del.
Identifiers: ClinVar variation 1484159 (VCV001484159.9), dbSNP rs1278884339, ClinGen allele CA539543362.
Genomic context (GRCh38, chr2:215,364,961, plus strand): 5'-CAGGAGCAAATGGCACCGAGATATTCCTTCTGCCACTGTTCTCCTACGTGGTATGTCTTC[CCAT>C]CATCATAACACGTTGCCTCATCTGCATATAGACACAAGACAGATGCACGCATAAGCTGAG-3'

ClinVar aggregate classification (germline): Uncertain significance. Review status: criteria provided, multiple submitters, no conflicts (2 of 4 stars). 2 submissions from 2 submitters: Uncertain significance (2). Last evaluated 2021-08-06.

Conditions:
Spondylometaphyseal dysplasia - Sutcliffe type. Also called: Spondylometaphyseal dysplasia, 'corner fracture' type; Spondylometaphyseal Dysplasia, Corner Fracture Type; Sutcliffe type of spondylometaphyseal dysplasia; Sutcliffe SMD. Identifiers: Orphanet 93315, MedGen C0432221, MONDO:0008479, OMIM 184255.
Glomerulopathy with fibronectin deposits 2 (GFND2). Identifiers: Orphanet 84090, MedGen C1866075, MONDO:0011165, OMIM 601894.

Submissions (2):

Fulgent Genetics
Classification: Uncertain significance for Spondylometaphyseal dysplasia - Sutcliffe type; Glomerulopathy with fibronectin deposits 2. Last evaluated: 2021-08-06. Review status: criteria provided, single submitter. Criteria: ACMG Guidelines, 2015. Collection method: clinical testing. Allele origin: unknown.

Labcorp Genetics (formerly Invitae), Labcorp
Classification: Uncertain significance. Last evaluated: 2021-06-24. Review status: criteria provided, single submitter. Criteria: Invitae Variant Classification Sherloc (09022015). Collection method: clinical testing. Allele origin: germline.
Comment: In summary, the available evidence is currently insufficient to determine the role of this variant in disease. Therefore, it has been classified as a Variant of Uncertain Significance. Experimental studies and prediction algorithms are not available or were not evaluated, and the functional significance of this variant is currently unknown. This variant has not been reported in the literature in individuals with FN1-related conditions. This variant is not present in population databases (ExAC no frequency). This variant, c.7166_7168del, results in the deletion of 1 amino acid(s) of the FN1 protein (p.Asp2389del), but otherwise preserves the integrity of the reading frame.